The following is an entry in ClinVar:

ClinVar aggregate classification (germline): Uncertain significance. Review status: criteria provided, multiple submitters, no conflicts (2 of 4 stars). 2 submissions from 2 submitters: Uncertain significance (2). Last evaluated 2024-11-19.

Allele frequency attached by ClinVar (database versions not stated): TOPMed below 0.00001; ExAC 0.00001; gnomAD 0.00001; gnomAD exomes 0.00001 and 0.00002.
gnomAD v4.1: 15 of 1,614,000 alleles (0.00093%); highest among the groups gnomAD compares: South Asian, 0.0055%; no homozygotes.

Submissions (2):

Labcorp Genetics (formerly Invitae), Labcorp
Classification: Uncertain significance. Last evaluated: 2024-11-19. Review status: criteria provided, single submitter. Criteria: Invitae Variant Classification Sherloc (09022015). Collection method: clinical testing. Allele origin: germline.
Comment: This sequence change replaces glutamic acid, which is acidic and polar, with lysine, which is basic and polar, at codon 254 of the TSPAN12 protein (p.Glu254Lys). This variant is present in population databases (rs756801973, gnomAD 0.02%). This variant has not been reported in the literature in individuals affected with TSPAN12-related conditions. ClinVar contains an entry for this variant (Variation ID: 1056585). An algorithm developed to predict the effect of missense changes on protein structure and function (PolyPhen-2) suggests that this variant is likely to be tolerated. In summary, the available evidence is currently insufficient to determine the role of this variant in disease. Therefore, it has been classified as a Variant of Uncertain Significance.

Blueprint Genetics
Classification: Uncertain significance. Last evaluated: 2024-05-03. Review status: criteria provided, single submitter. Criteria: ACMG Guidelines, 2015. Collection method: clinical testing. Allele origin: germline.

NM_012338.4(TSPAN12):c.760G>A (p.Glu254Lys)

Gene: TSPAN12 (tetraspanin 12; minus strand). Cytogenetic location: 7q31.31.
Variant type: single nucleotide variant.
Coding change: c.760G>A on transcript NM_012338.4 (MANE Select); coding-DNA position 760, G replaced by A.
Protein change: p.Glu254Lys; replaces glutamic acid 254 with lysine.
Molecular consequence: missense variant.
Genome position (GRCh38, 1-based): chr7:120,788,750, C>T on the plus strand (G>A on the coding strand, the complement: TSPAN12 is on the minus strand). VCF-style: chr7-120788750-C-T. GRCh37 (hg19) VCF-style: chr7-120428804-C-T.
Other names: short protein forms E254K.
Identifiers: ClinVar variation 1056585 (VCV001056585.10), dbSNP rs756801973, ClinGen allele CA4453812.